The following is an entry in ClinVar:

NM_003106.4(SOX2):c.135G>A (p.Met45Ile)

Genes: SOX2 (SRY-box transcription factor 2; plus strand), SOX2-OT (SOX2 overlapping transcript; plus strand), LOC108281177 (SOX2 5' regulatory region; plus strand). Cytogenetic location: 3q26.33.
Variant type: single nucleotide variant.
Coding change: c.135G>A on transcript NM_003106.4 (MANE Select); coding-DNA position 135, G replaced by A.
Protein change: p.Met45Ile; replaces methionine 45 with isoleucine.
Molecular consequence: missense variant.
Genome position (GRCh38, 1-based): chr3:181,712,495, G>A. VCF-style: chr3-181712495-G-A. GRCh37 (hg19) VCF-style: chr3-181430283-G-A.
Other names: short protein forms M45I.
Identifiers: ClinVar variation 5008680 (VCV005008680.1).

ClinVar aggregate classification (germline): Uncertain significance (1 of 4 stars; one submission).

Submission:

GeneDx
Classification: Uncertain significance. Last evaluated: 2026-02-13. Review status: criteria provided, single submitter. Criteria: GeneDx Variant Classification Process June 2021. Collection method: clinical testing. Allele origin: germline.
Comment: In silico analysis supports that this missense variant has a deleterious effect on protein structure/function; Not observed at significant frequency in large population cohorts (gnomAD); Has not been previously published as pathogenic or benign to our knowledge